The following is an entry in ClinVar:

NM_002951.5(RPN2):c.157T>C (p.Tyr53His)

Gene: RPN2 (ribophorin II; plus strand). Cytogenetic location: 20q11.23.
Variant type: single nucleotide variant.
Coding change: c.157T>C on transcript NM_002951.5 (MANE Select); coding-DNA position 157, T replaced by C.
Protein change: p.Tyr53His; replaces tyrosine 53 with histidine.
Molecular consequence: missense variant. On other transcripts: 5 prime UTR variant (1).
Genome position (GRCh38, 1-based): chr20:37,184,323, T>C. VCF-style: chr20-37184323-T-C. GRCh37 (hg19) VCF-style: chr20-35812726-T-C.
Other names: c.157T>C, p.Tyr53His (NM_001135771.3, NM_001324299.2, NM_001324301.2 and 4 more transcripts); c.-43T>C (NM_001324306.2); short protein forms Y53H.
Identifiers: ClinVar variation 843831 (VCV000843831.9), dbSNP rs1361242331, ClinGen allele CA408848227.

ClinVar aggregate classification (germline): Uncertain significance (1 of 4 stars; one submission).

Conditions:
Congenital disorder of glycosylation (CDG). Also called: Congenital disorders of glycosylation; Carbohydrate-deficient glycoprotein syndrome. Identifiers: Orphanet 137, MedGen C0282577, MONDO:0015286.

Allele frequency attached by ClinVar (database versions not stated): gnomAD exomes below 0.00001.
gnomAD v4.1: 1 of 1,614,234 alleles (0.000062%); highest among the groups gnomAD compares: South Asian, 0.0011%; no homozygotes.

Submission:

Labcorp Genetics (formerly Invitae), Labcorp
Classification: Uncertain significance for Congenital disorder of glycosylation. Last evaluated: 2022-07-12. Review status: criteria provided, single submitter. Criteria: Invitae Variant Classification Sherloc (09022015). Collection method: clinical testing. Allele origin: germline.
Comment: This variant has not been reported in the literature in individuals affected with RPN2-related conditions. ClinVar contains an entry for this variant (Variation ID: 843831). Algorithms developed to predict the effect of missense changes on protein structure and function are either unavailable or do not agree on the potential impact of this missense change (SIFT: "Not Available"; PolyPhen-2: "Benign"; Align-GVGD: "Not Available"). In summary, the available evidence is currently insufficient to determine the role of this variant in disease. Therefore, it has been classified as a Variant of Uncertain Significance. This variant is present in population databases (no rsID available, gnomAD 0.003%). This sequence change replaces tyrosine, which is neutral and polar, with histidine, which is basic and polar, at codon 53 of the RPN2 protein (p.Tyr53His).